The following is an entry in ClinVar:

NM_058195.4(CDKN2A):c.70G>T (p.Val24Leu)

Gene: CDKN2A (cyclin dependent kinase inhibitor 2A; minus strand). Cytogenetic location: 9p21.3.
Variant type: single nucleotide variant.
Coding change: c.70G>T on transcript NM_058195.4 (MANE Plus Clinical); coding-DNA position 70, G replaced by T.
Protein change: p.Val24Leu; replaces valine 24 with leucine.
Molecular consequence: missense variant. On other transcripts: intron variant (1).
Genome position (GRCh38, 1-based): chr9:21,994,262, C>A on the plus strand (G>T on the coding strand, the complement: CDKN2A is on the minus strand). VCF-style: chr9-21994262-C-A. GRCh37 (hg19) VCF-style: chr9-21994261-C-A.
Other names: c.-4+559G>T (NM_001363763.2); short protein forms V24L.
Identifiers: ClinVar variation 4633922 (VCV004633922.1).

ClinVar aggregate classification (germline): Uncertain significance (1 of 4 stars; one submission).

Conditions:
Hereditary cancer-predisposing syndrome. Also called: Hereditary Cancer Syndrome; Neoplastic Syndromes, Hereditary; Tumor predisposition; Hereditary neoplastic syndrome. Identifiers: Orphanet 140162, MedGen C0027672, MeSH D009386, MONDO:0015356.

Submission:

Ambry Genetics
Classification: Uncertain significance for Hereditary cancer-predisposing syndrome. Last evaluated: 2025-11-25. Review status: criteria provided, single submitter. Criteria: Ambry Variant Classification Scheme 2023. Collection method: clinical testing. Allele origin: germline.
Comment: The p.V24L variant (also known as c.70G>T), located in coding exon 1 of the CDKN2A (p14ARF) gene, results from a G to T substitution at nucleotide position 70. The valine at codon 24 is replaced by leucine, an amino acid with highly similar properties. This amino acid position is well conserved in available vertebrate species. Based on the available evidence, the clinical significance of this variant remains unclear.